The following is an entry in ClinVar:

ClinVar aggregate classification (germline): Pathogenic/Likely pathogenic. Review status: criteria provided, multiple submitters, no conflicts (2 of 4 stars). 9 submissions from 8 submitters: Pathogenic (7); Likely pathogenic (1). 1 of the submissions does not count toward it. Last evaluated 2025-12-18.

Conditions:
CRB1-related disorder. Also called: CRB1-related condition; CRB1-related disorders.
Leber congenital amaurosis 8 (LCA8). Identifiers: Orphanet 65, MedGen C3151202, MONDO:0013453, OMIM 613835.
Retinitis pigmentosa 12 (RP12). Also called: RP WITH OR WITHOUT PRESERVED PARAARTERIOLE RETINAL PIGMENT EPITHELIUM; RETINITIS PIGMENTOSA WITH OR WITHOUT PARAARTERIOLAR PRESERVATION OF RETINAL PIGMENT EPITHELIUM; RP WITH OR WITHOUT PPRPE. Identifiers: Orphanet 791, MedGen C1838647, MONDO:0010818, OMIM 600105.

Allele frequency attached by ClinVar (database versions not stated): TOPMed below 0.00001; ExAC 0.00001; gnomAD exomes 0.00001; gnomAD 0.00002.
gnomAD v4.1: 19 of 1,614,092 alleles (0.0012%); highest among the groups gnomAD compares: Admixed American, 0.0017%; no homozygotes.

Submissions (9):

Genetics Department, Catlab
Classification: Pathogenic for Retinitis pigmentosa 12. Last evaluated: 2025-12-18. Review status: criteria provided, single submitter. Criteria: ACMG Guidelines, 2015. Collection method: clinical testing. Allele origin: germline. Affected: yes.
Comment: The c.1084C>T variant in the CRB1 gene is a loss of function variant predicted to undergo nonsense mediated decay and loss of function variants have been described as a causing mechanism for the gene (PVS1_very strong). The change has a low frequency in gnomAD v4.1 (AF= 0.00001177) (PM2_moderate) and in compound heterozygous state with other pathogenic variants in patients (PMID: 16505055, 34884448, 20683928) (PM3_moderate). With all the available evidence, the variant is classified as pathogenic.

Labcorp Genetics (formerly Invitae), Labcorp
Classification: Pathogenic for Leber congenital amaurosis 8; Retinitis pigmentosa 12. Last evaluated: 2025-12-03. Review status: criteria provided, single submitter. Criteria: Invitae Variant Classification Sherloc (09022015). Collection method: clinical testing. Allele origin: germline.
Comment: This sequence change creates a premature translational stop signal (p.Gln362*) in the CRB1 gene. It is expected to result in an absent or disrupted protein product. Loss-of-function variants in CRB1 are known to be pathogenic (PMID: 10508521, 22065545, 23379534, 25412400, 26957898, 28041643, 29391521). This variant is present in population databases (rs778627080, gnomAD 0.002%). This premature translational stop signal has been observed in individual(s) with Leber congenital amaurosis (PMID: 16505055). ClinVar contains an entry for this variant (Variation ID: 620109). For these reasons, this variant has been classified as Pathogenic.

SingHealth Duke-NUS Institute of Precision Medicine
Classification: Likely pathogenic for Retinitis pigmentosa 12. Last evaluated: 2025-02-05. Review status: criteria provided, single submitter. Criteria: PRISM ACMG Classification Criteria. Collection method: clinical testing. Allele origin: germline. Affected: yes.
Comment: Variant is predicted to cause nonsense-mediated decay in a gene where LOF is a known cause of pathogenicity (PVS1). Homozygous allele count in gnomAD genomes or exomes are less than 0 (PM2).

Baylor Genetics
Classification: Pathogenic for Leber congenital amaurosis 8. Last evaluated: 2024-02-22. Review status: criteria provided, single submitter. Criteria: ACMG Guidelines, 2015. Collection method: clinical testing. Allele origin: unknown.

Genome-Nilou Lab
Classification: Pathogenic for Leber congenital amaurosis 8. Last evaluated: 2023-04-11. Review status: criteria provided, single submitter. Criteria: ACMG Guidelines, 2015. Collection method: clinical testing. Allele origin: germline. Affected: no.

Genome-Nilou Lab
Classification: Pathogenic for Retinitis pigmentosa 12. Last evaluated: 2023-04-11. Review status: criteria provided, single submitter. Criteria: ACMG Guidelines, 2015. Collection method: clinical testing. Allele origin: germline. Affected: no.

Blueprint Genetics
Classification: Pathogenic for CRB1-related disorders. Last evaluated: 2021-08-26. Review status: criteria provided, single submitter. Criteria: ACMG Guidelines, 2015. Collection method: clinical testing. Allele origin: germline. Affected: yes. Observed: 5 variant alleles.

GeneDx
Classification: Pathogenic. Last evaluated: 2018-10-03. Review status: criteria provided, single submitter. Criteria: GeneDx Variant Classification (06012015). Collection method: clinical testing. Allele origin: germline. Affected: yes.
Comment: The Q362X variant in the CRB1 gene has been reported previously in association with autosomal recessive early-onset retinal dystrophies when present in the homozygous state or when present with another disease-causing variant (Yzer et al., 2006; den Hollander at al., 2007). This variant is predicted to cause loss of normal protein function either through protein truncation or nonsense-mediated mRNA decay. The Q362X variant is observed in 2/111714 (0.0018%) alleles from individuals of non-Finnish European background in large population cohorts, with no homozygotes identified (Lek et al., 2016). We interpret Q362X as a pathogenic variant.

Laboratory of Genetics in Ophthalmology, Institut Imagine
Classification: Pathogenic for Leber congenital amaurosis 8. Review status: no assertion criteria provided. Collection method: research. Allele origin: maternal. Affected: yes. Observed: 2 variant alleles. Not counted in ClinVar's aggregate classification.

Literature cited by the submitters: PubMed 16505055 (cited by 3 submitters); PubMed 34884448 (cited by Genetics Department, Catlab); PubMed 20683928 (cited by Genetics Department, Catlab); PubMed 10508521 (cited by Labcorp Genetics (formerly Invitae), Labcorp); PubMed 22065545 (cited by Labcorp Genetics (formerly Invitae), Labcorp); PubMed 23379534 (cited by Labcorp Genetics (formerly Invitae), Labcorp); PubMed 25412400 (cited by Labcorp Genetics (formerly Invitae), Labcorp); PubMed 26957898 (cited by Labcorp Genetics (formerly Invitae), Labcorp); PubMed 28041643 (cited by Labcorp Genetics (formerly Invitae), Labcorp); PubMed 29391521 (cited by Labcorp Genetics (formerly Invitae), Labcorp).

NM_201253.3(CRB1):c.1084C>T (p.Gln362Ter)

Gene: CRB1 (crumbs cell polarity complex component 1; plus strand). Cytogenetic location: 1q31.3.
Variant type: single nucleotide variant.
Coding change: c.1084C>T on transcript NM_201253.3 (MANE Select); coding-DNA position 1084, C replaced by T.
Protein change: p.Gln362Ter; replaces glutamine 362 with a stop codon.
Molecular consequence: nonsense. On other transcripts: non-coding transcript variant (2).
Genome position (GRCh38, 1-based): chr1:197,356,926, C>T. VCF-style: chr1-197356926-C-T. GRCh37 (hg19) VCF-style: chr1-197326056-C-T.
Other names: c.748C>T, p.Gln250Ter (NM_001193640.2); c.877C>T, p.Gln293Ter (NM_001257965.2); c.1084C>T, p.Gln362Ter (NM_001257966.2); short protein forms Q362*, Q250*, Q293*.
Identifiers: ClinVar variation 620109 (VCV000620109.15), dbSNP rs778627080, ClinGen allele CA1311797.